The following is an entry in ClinVar:

NM_005559.4(LAMA1):c.4604C>T (p.Ser1535Leu)

Gene: LAMA1 (laminin subunit alpha 1; minus strand). Cytogenetic location: 18p11.31.
Variant type: single nucleotide variant.
Coding change: c.4604C>T on transcript NM_005559.4 (MANE Select); coding-DNA position 4604, C replaced by T.
Protein change: p.Ser1535Leu; replaces serine 1535 with leucine.
Molecular consequence: missense variant.
Genome position (GRCh38, 1-based): chr18:6,999,504, G>A on the plus strand (C>T on the coding strand, the complement: LAMA1 is on the minus strand). VCF-style: chr18-6999504-G-A. GRCh37 (hg19) VCF-style: chr18-6999503-G-A.
Other names: short protein forms S1535L.
Identifiers: ClinVar variation 1312226 (VCV001312226.6), dbSNP rs144979101, ClinGen allele CA8881867.
Genomic context (GRCh38, chr18:6,999,504, plus strand): 5'-CAAACACAATCTGTTTCCATCAGAATGTGCCTCGGTTCACACTCATCGCACCGGAGCCCC[G>A]AGGCCCCCAGCCTGCAAACGCACTGCCCAGATGTGCGGTCACAGTCACCGTGGACAGAGC-3'
Protein context (NP_005550.2, residues 1525-1545): SGQCVCRLGA[Ser1535Leu]GLRCDECEPR

ClinVar aggregate classification (germline): Uncertain significance. Review status: criteria provided, multiple submitters, no conflicts (2 of 4 stars). 2 submissions from 2 submitters: Uncertain significance (2). Last evaluated 2023-08-17.

Allele frequency attached by ClinVar (database versions not stated): TOPMed 0.00001; gnomAD 0.00003 and 0.00004; gnomAD exomes 0.00006 and 0.00008; ExAC 0.00008; ESP Exome Variant Server 0.00015.
gnomAD v4.1: 89 of 1,613,902 alleles (0.0055%); highest among the groups gnomAD compares: Non-Finnish European, 0.0036%; no homozygotes.

Submissions (2):

Labcorp Genetics (formerly Invitae), Labcorp
Classification: Uncertain significance. Last evaluated: 2023-08-17. Review status: criteria provided, single submitter. Criteria: Invitae Variant Classification Sherloc (09022015). Collection method: clinical testing. Allele origin: germline.
Comment: In summary, the available evidence is currently insufficient to determine the role of this variant in disease. Therefore, it has been classified as a Variant of Uncertain Significance. Advanced modeling of protein sequence and biophysical properties (such as structural, functional, and spatial information, amino acid conservation, physicochemical variation, residue mobility, and thermodynamic stability) performed at Invitae indicates that this missense variant is not expected to disrupt LAMA1 protein function. ClinVar contains an entry for this variant (Variation ID: 1312226). This missense change has been observed in individual(s) with clinical features of Poretti-Boltshauser syndrome (PMID: 32637629). This variant is present in population databases (rs144979101, gnomAD 0.07%). This sequence change replaces serine, which is neutral and polar, with leucine, which is neutral and non-polar, at codon 1535 of the LAMA1 protein (p.Ser1535Leu).

GeneDx
Classification: Uncertain significance. Last evaluated: 2020-02-15. Review status: criteria provided, single submitter. Criteria: GeneDx Variant Classification Process June 2021. Collection method: clinical testing. Allele origin: germline. Affected: yes.
Comment: In silico analysis supports that this missense variant has a deleterious effect on protein structure/function; Has not been previously published as pathogenic or benign to our knowledge; This variant is associated with the following publications: (PMID: 32637629)

Literature cited by the submitters: PubMed 32637629 (cited by Labcorp Genetics (formerly Invitae), Labcorp).